The following is an entry in ClinVar:

ClinVar aggregate classification (germline): Uncertain significance (1 of 4 stars; one submission).

Conditions:
Holoprosencephaly 4 (HPE4). Identifiers: Orphanet 2162, MedGen C1840528, MONDO:0007734, OMIM 142946.

Submission:

Labcorp Genetics (formerly Invitae), Labcorp
Classification: Uncertain significance for Holoprosencephaly 4. Last evaluated: 2025-01-31. Review status: criteria provided, single submitter. Criteria: Invitae Variant Classification Sherloc (09022015). Collection method: clinical testing. Allele origin: germline.
Comment: This sequence change replaces glutamic acid, which is acidic and polar, with glycine, which is neutral and non-polar, at codon 217 of the TGIF1 protein (p.Glu217Gly). This variant is not present in population databases (gnomAD no frequency). This variant has not been reported in the literature in individuals affected with TGIF1-related conditions. Invitae Evidence Modeling of protein sequence and biophysical properties (such as structural, functional, and spatial information, amino acid conservation, physicochemical variation, residue mobility, and thermodynamic stability) indicates that this missense variant is not expected to disrupt TGIF1 protein function with a negative predictive value of 80%. In summary, the available evidence is currently insufficient to determine the role of this variant in disease. Therefore, it has been classified as a Variant of Uncertain Significance.

NM_003244.4(TGIF1):c.650A>G (p.Glu217Gly)

Gene: TGIF1 (TGFB induced factor homeobox 1; plus strand). Cytogenetic location: 18p11.31.
Variant type: single nucleotide variant.
Coding change: c.650A>G on transcript NM_003244.4 (MANE Select); coding-DNA position 650, A replaced by G.
Protein change: p.Glu217Gly; replaces glutamic acid 217 with glycine.
Molecular consequence: missense variant.
Genome position (GRCh38, 1-based): chr18:3,457,771, A>G. VCF-style: chr18-3457771-A-G. GRCh37 (hg19) VCF-style: chr18-3457769-A-G.
Other names: c.659A>G, p.Glu220Gly (NM_001278682.2); c.650A>G, p.Glu217Gly (NM_001278684.2, NM_173208.3); c.590A>G, p.Glu197Gly (NM_001278686.3, NM_001374396.1, NM_001374397.1 and 5 more transcripts); c.692A>G, p.Glu231Gly (NM_173207.4); short protein forms E197G, E217G, E220G, E231G.
Identifiers: ClinVar variation 4804874 (VCV004804874.1).